The following is an entry in ClinVar:

ClinVar aggregate classification (germline): Uncertain significance (1 of 4 stars; one submission).

gnomAD v4.1: 1 of 1,614,132 alleles (0.000062%); highest among the groups gnomAD compares: Non-Finnish European, 0.000085%; no homozygotes.

Submission:

Labcorp Genetics (formerly Invitae), Labcorp
Classification: Uncertain significance. Last evaluated: 2022-05-08. Review status: criteria provided, single submitter. Criteria: Invitae Variant Classification Sherloc (09022015). Collection method: clinical testing. Allele origin: germline.
Comment: In summary, the available evidence is currently insufficient to determine the role of this variant in disease. Therefore, it has been classified as a Variant of Uncertain Significance. Algorithms developed to predict the effect of missense changes on protein structure and function are either unavailable or do not agree on the potential impact of this missense change (SIFT: "Deleterious"; PolyPhen-2: "Possibly Damaging"; Align-GVGD: "Class C0"). This variant has not been reported in the literature in individuals affected with PCNT-related conditions. This variant is not present in population databases (gnomAD no frequency). This sequence change replaces arginine, which is basic and polar, with serine, which is neutral and polar, at codon 528 of the PCNT protein (p.Arg528Ser).

NM_006031.6(PCNT):c.1584G>C (p.Arg528Ser)

Gene: PCNT (pericentrin; plus strand). Cytogenetic location: 21q22.3.
Variant type: single nucleotide variant.
Coding change: c.1584G>C on transcript NM_006031.6 (MANE Select); coding-DNA position 1584, G replaced by C.
Protein change: p.Arg528Ser; replaces arginine 528 with serine.
Molecular consequence: missense variant.
Genome position (GRCh38, 1-based): chr21:46,353,231, G>C. VCF-style: chr21-46353231-G-C. GRCh37 (hg19) VCF-style: chr21-47773145-G-C.
Other names: c.1230G>C, p.Arg410Ser (NM_001315529.2); short protein forms R410S, R528S.
Identifiers: ClinVar variation 2125315 (VCV002125315.4), dbSNP rs1019583490, ClinGen allele CA410560891.
Genomic context (GRCh38, chr21:46,353,231, plus strand): 5'-AAAAACCCAGCATGAGTCCGAACTGGAGCAACTGAGGATTTATTTTGAAAAGAAGTTAAG[G>C]GATGCTGAGAAAACTTACCAAGAAGACCTAACCCTGTTACAGCAGAGGCTGCAGGGGGCG-3'
Protein context (NP_006022.3, residues 518-538): QLRIYFEKKL[Arg528Ser]DAEKTYQEDL